The following is an entry in ClinVar:

NM_000489.6(ATRX):c.3442G>C (p.Glu1148Gln)

Gene: ATRX (ATRX chromatin remodeler; minus strand). Cytogenetic location: Xq21.1.
Variant type: single nucleotide variant.
Coding change: c.3442G>C on transcript NM_000489.6 (MANE Select); coding-DNA position 3442, G replaced by C.
Protein change: p.Glu1148Gln; replaces glutamic acid 1148 with glutamine.
Molecular consequence: missense variant.
Genome position (GRCh38, 1-based): chrX:77,681,814, C>G on the plus strand (G>C on the coding strand, the complement: ATRX is on the minus strand). VCF-style: chrX-77681814-C-G. GRCh37 (hg19) VCF-style: chrX-76937306-C-G.
Other names: c.3328G>C, p.Glu1110Gln (NM_138270.5); c.3442G>C (NM_000489.5); short protein forms E1110Q, E1148Q.
Identifiers: ClinVar variation 1442722 (VCV001442722.9), dbSNP rs2148573185, ClinGen allele CA413706489.

ClinVar aggregate classification (germline): Uncertain significance. Review status: criteria provided, single submitter (1 of 4 stars). 2 submissions from 2 submitters: Uncertain significance (1). 1 of the submissions does not count toward it. Last evaluated 2024-09-16.

Conditions:
Alpha thalassemia-X-linked intellectual disability syndrome (ATRX). Also called: X-linked alpha-thalassemia-mental retardation syndrome; ALPHA-THALASSEMIA/IMPAIRED INTELLECTUAL DEVELOPMENT SYNDROME, X-LINKED; ALPHA-THALASSEMIA/MENTAL RETARDATION SYNDROME, X-LINKED; ATR, NONDELETION TYPE; ATR-X syndrome; Alpha thalassemia mental retardation syndrome, nondeletion type, X-linked. Identifiers: Orphanet 847, MedGen C1845055, MONDO:0010519, OMIM 301040.

Submissions (2):

Labcorp Genetics (formerly Invitae), Labcorp
Classification: Uncertain significance for Alpha thalassemia-X-linked intellectual disability syndrome. Last evaluated: 2024-09-16. Review status: criteria provided, single submitter. Criteria: Invitae Variant Classification Sherloc (09022015). Collection method: clinical testing. Allele origin: germline.
Comment: This sequence change replaces glutamic acid, which is acidic and polar, with glutamine, which is neutral and polar, at codon 1148 of the ATRX protein (p.Glu1148Gln). This variant is not present in population databases (gnomAD no frequency). This variant has not been reported in the literature in individuals affected with ATRX-related conditions. ClinVar contains an entry for this variant (Variation ID: 1442722). Invitae Evidence Modeling of protein sequence and biophysical properties (such as structural, functional, and spatial information, amino acid conservation, physicochemical variation, residue mobility, and thermodynamic stability) indicates that this missense variant is not expected to disrupt ATRX protein function with a negative predictive value of 95%. In summary, the available evidence is currently insufficient to determine the role of this variant in disease. Therefore, it has been classified as a Variant of Uncertain Significance.

Natera, Inc.
Classification: Uncertain significance for X-linked alpha-thalassemia-mental retardation syndrome. Last evaluated: 2025-03-10. Review status: no assertion criteria provided. Collection method: clinical testing. Allele origin: germline. Not counted in ClinVar's aggregate classification.